The following is an entry in ClinVar:

ClinVar aggregate classification (germline): Uncertain significance (1 of 4 stars; one submission).

Conditions:
Cardiovascular phenotype. Identifiers: MedGen CN230736.

Allele frequency attached by ClinVar (database versions not stated): gnomAD exomes below 0.00001.

Submission:

Ambry Genetics
Classification: Uncertain significance for Cardiovascular phenotype. Last evaluated: 2019-04-09. Review status: criteria provided, single submitter. Criteria: Ambry Variant Classification Scheme 2023. Collection method: clinical testing. Allele origin: germline.
Comment: The p.G21927R variant (also known as c.65779G>C), located in coding exon 166 of the TTN gene, results from a G to C substitution at nucleotide position 65779. The glycine at codon 21927 is replaced by arginine, an amino acid with dissimilar properties. This amino acid position is highly conserved in available vertebrate species. In addition, the in silico prediction for this alteration is inconclusive. Since supporting evidence is limited at this time, the clinical significance of this alteration remains unclear.

NM_001267550.2(TTN):c.92974G>C (p.Gly30992Arg)

Genes: TTN (titin; minus strand), TTN-AS1 (TTN antisense RNA 1; plus strand). Cytogenetic location: 2q31.2.
Variant type: single nucleotide variant.
Coding change: c.92974G>C on transcript NM_001267550.2 (MANE Select); coding-DNA position 92974, G replaced by C.
Protein change: p.Gly30992Arg; replaces glycine 30992 with arginine.
Molecular consequence: missense variant.
Genome position (GRCh38, 1-based): chr2:178,548,652, C>G on the plus strand (G>C on the coding strand, the complement: TTN is on the minus strand). VCF-style: chr2-178548652-C-G. GRCh37 (hg19) VCF-style: chr2-179413379-C-G.
Other names: c.88051G>C, p.Gly29351Arg (NM_001256850.1); c.65779G>C, p.Gly21927Arg (NM_003319.4); c.85270G>C, p.Gly28424Arg (NM_133378.4); c.66154G>C, p.Gly22052Arg (NM_133432.3); c.66355G>C, p.Gly22119Arg (NM_133437.4); short protein forms G29351R, G22052R, G22119R, G21927R, G28424R, G30992R.
Identifiers: ClinVar variation 1754261 (VCV001754261.2), dbSNP rs1277609891, ClinGen allele CA349488928.